The following is an entry in ClinVar:

ClinVar aggregate classification (germline): Uncertain significance (1 of 4 stars; one submission).

gnomAD v4.1: 5 of 1,588,754 alleles (0.00031%); highest among the groups gnomAD compares: African/African-American, 0.0067%; no homozygotes.

Submission:

Labcorp Genetics (formerly Invitae), Labcorp
Classification: Uncertain significance. Last evaluated: 2025-09-16. Review status: criteria provided, single submitter. Criteria: Invitae Variant Classification Sherloc (09022015). Collection method: clinical testing. Allele origin: germline.
Comment: This sequence change replaces proline, which is neutral and non-polar, with alanine, which is neutral and non-polar, at codon 88 of the KLF10 protein (p.Pro88Ala). This variant is not present in population databases (gnomAD no frequency). This variant has not been reported in the literature in individuals affected with KLF10-related conditions. ClinVar contains an entry for this variant (Variation ID: 3704064). An algorithm developed to predict the effect of missense changes on protein structure and function (PolyPhen-2) suggests that this variant is likely to be disruptive. In summary, the available evidence is currently insufficient to determine the role of this variant in disease. Therefore, it has been classified as a Variant of Uncertain Significance.

NM_005655.4(KLF10):c.262C>G (p.Pro88Ala)

Gene: KLF10 (KLF transcription factor 10; minus strand). Cytogenetic location: 8q22.3.
Variant type: single nucleotide variant.
Coding change: c.262C>G on transcript NM_005655.4 (MANE Select); coding-DNA position 262, C replaced by G.
Protein change: p.Pro88Ala; replaces proline 88 with alanine.
Molecular consequence: missense variant. On other transcripts: non-coding transcript variant (2).
Genome position (GRCh38, 1-based): chr8:102,652,172, G>C on the plus strand (C>G on the coding strand, the complement: KLF10 is on the minus strand). VCF-style: chr8-102652172-G-C. GRCh37 (hg19) VCF-style: chr8-103664400-G-C.
Other names: c.229C>G, p.Pro77Ala (NM_001032282.4); short protein forms P77A, P88A.
Identifiers: ClinVar variation 3704064 (VCV003704064.2).
Genomic context (GRCh38, chr8:102,652,172, plus strand): 5'-AATTTTAAGAAATTATATAATTTACGTCTATCTTAAAAACAATAATACTTACAAATGCTG[G>C]GATTGTATGAAAATCAGGTGTTCCCGGAAGCAGATTCTCTTCCTCTGACAAATCAGATAC-3'
Protein context (NP_005646.1, residues 78-98): LPGTPDFHTI[Pro88Ala]AFCLTPPYSP